The following is an entry in ClinVar:

NM_001844.5(COL2A1):c.817-5T>G

Gene: COL2A1 (collagen type II alpha 1 chain; minus strand). Cytogenetic location: 12q13.11.
Variant type: single nucleotide variant.
Coding change: c.817-5T>G on transcript NM_001844.5 (MANE Select); 5 bases into the intron before coding-DNA position 817, T replaced by G.
Molecular consequence: intron variant.
Genome position (GRCh38, 1-based): chr12:47,994,052, A>C on the plus strand (T>G on the coding strand, the complement: COL2A1 is on the minus strand). VCF-style: chr12-47994052-A-C. GRCh37 (hg19) VCF-style: chr12-48387835-A-C.
Other names: c.610-5T>G (NM_033150.3).
Identifiers: ClinVar variation 2115754 (VCV002115754.4), dbSNP rs2540169216, ClinGen allele CA2580085459.

ClinVar aggregate classification (germline): Uncertain significance (1 of 4 stars; one submission).

Submission:

Labcorp Genetics (formerly Invitae), Labcorp
Classification: Uncertain significance. Last evaluated: 2022-03-23. Review status: criteria provided, single submitter. Criteria: Invitae Variant Classification Sherloc (09022015). Collection method: clinical testing. Allele origin: germline.
Comment: Algorithms developed to predict the effect of sequence changes on RNA splicing suggest that this variant may create or strengthen a splice site. This variant has not been reported in the literature in individuals affected with COL2A1-related conditions. This variant is not present in population databases (gnomAD no frequency). This sequence change falls in intron 12 of the COL2A1 gene. It does not directly change the encoded amino acid sequence of the COL2A1 protein. In summary, the available evidence is currently insufficient to determine the role of this variant in disease. Therefore, it has been classified as a Variant of Uncertain Significance.